The following is an entry in ClinVar:

NM_002971.6(SATB1):c.2184G>T (p.Leu728Phe)

Gene: SATB1 (SATB homeobox 1; minus strand). Cytogenetic location: 3p24.3.
Variant type: single nucleotide variant.
Coding change: c.2184G>T on transcript NM_002971.6 (MANE Select); coding-DNA position 2184, G replaced by T.
Protein change: p.Leu728Phe; replaces leucine 728 with phenylalanine.
Molecular consequence: missense variant.
Genome position (GRCh38, 1-based): chr3:18,349,278, C>A on the plus strand (G>T on the coding strand, the complement: SATB1 is on the minus strand). VCF-style: chr3-18349278-C-A. GRCh37 (hg19) VCF-style: chr3-18390770-C-A.
Other names: c.2184G>T, p.Leu728Phe (NM_001131010.4, NM_001322872.2, NM_001322873.2 and 2 more transcripts); c.2280G>T, p.Leu760Phe (NM_001195470.3, NM_001322871.2); c.1968G>T, p.Leu656Phe (NM_001322876.2); short protein forms L656F, L760F, L728F.
Identifiers: ClinVar variation 3731271 (VCV003731271.1).

ClinVar aggregate classification (germline): Uncertain significance (1 of 4 stars; one submission).

gnomAD v4.1: 1 of 1,614,176 alleles (0.000062%); highest among the groups gnomAD compares: Non-Finnish European, 0.000085%; no homozygotes.

Submission:

GeneDx
Classification: Uncertain significance. Last evaluated: 2024-08-16. Review status: criteria provided, single submitter. Criteria: GeneDx Variant Classification Process June 2021. Collection method: clinical testing. Allele origin: germline. Affected: yes.
Comment: Not observed at significant frequency in large population cohorts (gnomAD); In silico analysis indicates that this missense variant does not alter protein structure/function; Has not been previously published as pathogenic or benign to our knowledge